The following is an entry in ClinVar:

ClinVar aggregate classification (germline): Conflicting classifications of pathogenicity. Review status: criteria provided, conflicting classifications (1 of 4 stars). 3 submissions from 3 submitters: Uncertain significance (1); Likely benign (2). Last evaluated 2025-10-21.

Conditions:
Inborn genetic diseases. Identifiers: MedGen C0950123, MeSH D030342.

Allele frequency attached by ClinVar (database versions not stated): ExAC 0.00004; gnomAD 0.00006; TOPMed 0.00006; gnomAD exomes 0.00007; ESP Exome Variant Server 0.00015.
gnomAD v4.1: 108 of 1,613,944 alleles (0.0067%); highest among the groups gnomAD compares: Non-Finnish European, 0.0083%; 1 homozygote.

Submissions (3):

Labcorp Genetics (formerly Invitae), Labcorp
Classification: Uncertain significance. Last evaluated: 2025-10-21. Review status: criteria provided, single submitter. Criteria: Invitae Variant Classification Sherloc (09022015). Collection method: clinical testing. Allele origin: germline.
Comment: This sequence change replaces glutamic acid, which is acidic and polar, with lysine, which is basic and polar, at codon 2944 of the MACF1 protein (p.Glu2944Lys). This variant is present in population databases (rs372693965, gnomAD 0.006%). This variant has not been reported in the literature in individuals affected with MACF1-related conditions. ClinVar contains an entry for this variant (Variation ID: 2054513). An algorithm developed to predict the effect of missense changes on protein structure and function (PolyPhen-2) suggests that this variant is likely to be disruptive. In summary, the available evidence is currently insufficient to determine the role of this variant in disease. Therefore, it has been classified as a Variant of Uncertain Significance.

Blueprint Genetics
Classification: Likely benign. Last evaluated: 2023-09-27. Review status: criteria provided, single submitter. Criteria: ACMG Guidelines, 2015. Collection method: clinical testing. Allele origin: germline.

Ambry Genetics
Classification: Likely benign for Inborn genetic diseases. Last evaluated: 2023-03-29. Review status: criteria provided, single submitter. Criteria: Ambry Variant Classification Scheme 2023. Collection method: clinical testing. Allele origin: germline.

NM_001394062.1(MACF1):c.15016G>A (p.Glu5006Lys)

Genes: MACF1 (microtubule actin crosslinking factor 1; plus strand), LOC114803468 (MACF1 eExon liver enhancer; plus strand). Cytogenetic location: 1p34.3.
Variant type: single nucleotide variant.
Coding change: c.15016G>A on transcript NM_001394062.1 (MANE Select); coding-DNA position 15016, G replaced by A.
Protein change: p.Glu5006Lys; replaces glutamic acid 5006 with lysine.
Molecular consequence: missense variant.
Genome position (GRCh38, 1-based): chr1:39,387,858, G>A. VCF-style: chr1-39387858-G-A. GRCh37 (hg19) VCF-style: chr1-39853530-G-A.
Other names: c.8830G>A, p.Glu2944Lys (NM_012090.5); c.8830G>A (NM_012090.4); short protein forms E5006K, E2944K.
Identifiers: ClinVar variation 2054513 (VCV002054513.7), dbSNP rs372693965, ClinGen allele CA782336.